The following is an entry in ClinVar:

NM_000439.5(PCSK1):c.2012T>A (p.Leu671Gln)

Genes: CAST (calpastatin; plus strand), PCSK1 (proprotein convertase subtilisin/kexin type 1; minus strand), LOC101929710 (uncharacterized LOC101929710; plus strand). Cytogenetic location: 5q15.
Variant type: single nucleotide variant.
Coding change: c.2012T>A on transcript NM_000439.5 (MANE Select); coding-DNA position 2012, T replaced by A.
Protein change: p.Leu671Gln; replaces leucine 671 with glutamine.
Molecular consequence: missense variant. On other transcripts: intron variant (11).
Genome position (GRCh38, 1-based): chr5:96,393,251, A>T on the plus strand (T>A on the coding strand, the complement: PCSK1 is on the minus strand). VCF-style: chr5-96393251-A-T. GRCh37 (hg19) VCF-style: chr5-95728955-A-T.
Other names: c.1871T>A, p.Leu624Gln (NM_001177875.2); c.-175+13599A>T (NM_001423254.1, NM_001423259.1, NM_001423255.1 and 6 more transcripts); c.-103+13599A>T (NM_001423253.1); c.-40+13599A>T (NM_001423258.1); short protein forms L624Q, L671Q.
Identifiers: ClinVar variation 3346212 (VCV003346212.1).

ClinVar aggregate classification (germline): Uncertain significance (0 of 4 stars; one submission).

Conditions:
PCSK1-related disorder. Also called: PCSK1-related condition.

Submission:

PreventionGenetics, part of Exact Sciences
Classification: Uncertain significance for PCSK1-related condition. Last evaluated: 2024-06-22. Review status: no assertion criteria provided. Collection method: clinical testing. Allele origin: germline.
Comment: The PCSK1 c.2012T>A variant is predicted to result in the amino acid substitution p.Leu671Gln. To our knowledge, this variant has not been reported in the literature or in a large population database, indicating this variant is rare. At this time, the clinical significance of this variant is uncertain due to the absence of conclusive functional and genetic evidence.